The following is an entry in ClinVar:

ClinVar aggregate classification (germline): Uncertain significance. Review status: criteria provided, multiple submitters, no conflicts (2 of 4 stars). 2 submissions from 2 submitters: Uncertain significance (2). Last evaluated 2023-10-03.

Conditions:
Myofibrillar myopathy 4. Also called: Zaspopathy (type). Identifiers: Orphanet 98912, MedGen C4721886, MONDO:0012277, OMIM 609452.
Cardiovascular phenotype. Identifiers: MedGen CN230736.

Allele frequency attached by ClinVar (database versions not stated): gnomAD exomes below 0.00001; gnomAD 0.00001; TOPMed 0.00002.
gnomAD v4.1: 2 of 1,614,062 alleles (0.00012%); highest among the groups gnomAD compares: African/African-American, 0.0027%; no homozygotes.

Submissions (2):

Labcorp Genetics (formerly Invitae), Labcorp
Classification: Uncertain significance for Myofibrillar myopathy 4. Last evaluated: 2023-10-03. Review status: criteria provided, single submitter. Criteria: Invitae Variant Classification Sherloc (09022015). Collection method: clinical testing. Allele origin: germline.
Comment: This sequence change replaces aspartic acid, which is acidic and polar, with alanine, which is neutral and non-polar, at codon 214 of the LDB3 protein (p.Asp214Ala). This variant is present in population databases (no rsID available, gnomAD 0.007%). This variant has not been reported in the literature in individuals affected with LDB3-related conditions. ClinVar contains an entry for this variant (Variation ID: 464278). An algorithm developed to predict the effect of missense changes on protein structure and function (PolyPhen-2) suggests that this variant is likely to be tolerated. In summary, the available evidence is currently insufficient to determine the role of this variant in disease. Therefore, it has been classified as a Variant of Uncertain Significance.

Ambry Genetics
Classification: Uncertain significance for Cardiovascular phenotype. Last evaluated: 2022-03-09. Review status: criteria provided, single submitter. Criteria: Ambry Variant Classification Scheme 2023. Collection method: clinical testing. Allele origin: germline.
Comment: The p.D261A variant (also known as c.782A>C), located in coding exon 5 of the LDB3 gene, results from an A to C substitution at nucleotide position 782. The aspartic acid at codon 261 is replaced by alanine, an amino acid with dissimilar properties. This amino acid position is conserved. In addition, the in silico prediction for this alteration is inconclusive. Since supporting evidence is limited at this time, the clinical significance of this alteration remains unclear.

NM_007078.3(LDB3):c.782A>C (p.Asp261Ala)

Gene: LDB3 (LIM domain binding 3; plus strand). Cytogenetic location: 10q23.2.
Variant type: single nucleotide variant.
Coding change: c.782A>C on transcript NM_007078.3 (MANE Select); coding-DNA position 782, A replaced by C.
Protein change: p.Asp261Ala; replaces aspartic acid 261 with alanine.
Molecular consequence: missense variant.
Genome position (GRCh38, 1-based): chr10:86,691,988, A>C. VCF-style: chr10-86691988-A-C. GRCh37 (hg19) VCF-style: chr10-88451745-A-C.
Other names: c.641A>C, p.Asp214Ala (NM_001080116.1, NM_001080114.2, NM_001368066.1 and 2 more transcripts); c.782A>C, p.Asp261Ala (NM_001080115.2, NM_001368063.1, NM_001368064.1 and 1 more transcripts); c.986A>C, p.Asp329Ala (NM_001171610.2, NM_001171611.2); c.782A>C (NM_007078.2); short protein forms D214A, D261A, D329A.
Identifiers: ClinVar variation 464278 (VCV000464278.11), dbSNP rs1285921374, ClinGen allele CA377443161.
Genomic context (GRCh38, chr10:86,691,988, plus strand): 5'-GCGCCTCTCCCGTCTACCAGGCTGTGATTAAGAGCCAGAACAAGCCAGAAGATGAGGCTG[A>C]CGAGTGGGCACGCCGTTCCTCCAACCTGCAGTCTCGCTCCTTCCGCATCCTGGCCCAGAT-3'
Protein context (NP_009009.1, residues 251-271): KSQNKPEDEA[Asp261Ala]EWARRSSNLQ